The following is an entry in ClinVar:

ClinVar aggregate classification (germline): Conflicting classifications of pathogenicity. Review status: criteria provided, conflicting classifications (1 of 4 stars). 5 submissions from 5 submitters: Uncertain significance (3); Likely benign (1). 1 of the submissions does not count toward it. Last evaluated 2025-08-24.

Conditions:
Hereditary cancer-predisposing syndrome. Also called: Tumor predisposition; Neoplastic Syndromes, Hereditary; Hereditary Cancer Syndrome; Hereditary neoplastic syndrome. Identifiers: Orphanet 140162, MedGen C0027672, MeSH D009386, MONDO:0015356.
Hereditary breast ovarian cancer syndrome. Also called: Hereditary breast and ovarian cancer syndrome (HBOC); Hereditary breast and ovarian cancer syndrome; Hereditary breast and ovarian cancer; Hereditary breast and/or ovarian cancer syndrome; Breast and ovarian cancer; BRCA1- and BRCA2-Associated Hereditary Breast and Ovarian Cancer. Identifiers: Orphanet 145, MedGen C0677776, MeSH D061325, MONDO:0003582. Disease mechanism: loss of function.
Breast-ovarian cancer, familial, susceptibility to, 1 (BROVCA1). Also called: OVARIAN CANCER, SUSCEPTIBILITY TO; BRCA1 Hereditary Breast and Ovarian Cancer. Identifiers: Orphanet 145, MedGen C2676676, MONDO:0011450, OMIM 604370. Disease mechanism: loss of function.

Allele frequency attached by ClinVar (database versions not stated): gnomAD exomes below 0.00001; ExAC 0.00001.
gnomAD v4.1: 1 of 1,613,602 alleles (0.000062%); highest among the groups gnomAD compares: Non-Finnish European, 0.000085%; no homozygotes.

Submissions (5):

Labcorp Genetics (formerly Invitae), Labcorp
Classification: Uncertain significance for Hereditary breast ovarian cancer syndrome. Last evaluated: 2025-08-24. Review status: criteria provided, single submitter. Criteria: Invitae Variant Classification Sherloc (09022015). Collection method: clinical testing. Allele origin: germline.
Comment: This sequence change replaces isoleucine, which is neutral and non-polar, with threonine, which is neutral and polar, at codon 845 of the BRCA1 protein (p.Ile845Thr). This variant is present in population databases (rs397508976, gnomAD 0.0009%). This variant has not been reported in the literature in individuals affected with BRCA1-related conditions. ClinVar contains an entry for this variant (Variation ID: 54593). Invitae Evidence Modeling of protein sequence and biophysical properties (such as structural, functional, and spatial information, amino acid conservation, physicochemical variation, residue mobility, and thermodynamic stability) indicates that this missense variant is not expected to disrupt BRCA1 protein function with a negative predictive value of 80%. Experimental studies have shown that this missense change does not substantially affect BRCA1 function (PMID: 32546644). In summary, the available evidence is currently insufficient to determine the role of this variant in disease. Therefore, it has been classified as a Variant of Uncertain Significance.

Ambry Genetics
Classification: Uncertain significance for Hereditary cancer-predisposing syndrome. Last evaluated: 2023-07-17. Review status: criteria provided, single submitter. Criteria: Ambry Variant Classification Scheme 2023. Collection method: clinical testing. Allele origin: germline.
Comment: The p.I845T variant (also known as c.2534T>C), located in coding exon 9 of the BRCA1 gene, results from a T to C substitution at nucleotide position 2534. The isoleucine at codon 845 is replaced by threonine, an amino acid with similar properties. This amino acid position is not well conserved in available vertebrate species. In addition, this alteration is predicted to be tolerated by in silico analysis. Since supporting evidence is limited at this time, the clinical significance of this alteration remains unclear.

University of Washington Department of Laboratory Medicine, University of Washington
Classification: Likely benign for Hereditary cancer-predisposing syndrome. Last evaluated: 2023-03-23. Review status: criteria provided, single submitter. Criteria: Dines et al. (Genet Med. 2020). Collection method: curation. Allele origin: germline.
Comment: Missense variant in a coldspot region where missense variants are very unlikely to be pathogenic (PMID:31911673).

BRCA1 coldspot (exon 11 using historical exon numbering). Reclassification based on statistical prior probability

Color Diagnostics, LLC DBA Color Health
Classification: Uncertain significance for Hereditary cancer-predisposing syndrome. Last evaluated: 2020-09-08. Review status: criteria provided, single submitter. Criteria: ACMG Guidelines, 2015. Collection method: clinical testing. Allele origin: germline.
Comment: This missense variant replaces isoleucine with threonine at codon 845 of the BRCA1 protein. Computational prediction is inconclusive regarding the impact of this variant on protein structure and function (internally defined REVEL score threshold 0.5 < inconclusive < 0.7, PMID: 27666373). To our knowledge, functional studies have not been reported for this variant. This variant has not been reported in individuals affected with hereditary cancer in the literature. This variant has been identified in 1/251044 chromosomes in the general population by the Genome Aggregation Database (gnomAD). The available evidence is insufficient to determine the role of this variant in disease conclusively. Therefore, this variant is classified as a Variant of Uncertain Significance.

Counsyl
Classification: Uncertain significance for Breast-ovarian cancer, familial, susceptibility to, 1. Last evaluated: 2016-10-13. Review status: no assertion criteria provided. Collection method: clinical testing. Allele origin: unknown. Not counted in ClinVar's aggregate classification.

Literature cited by the submitters: PubMed 32546644 (cited by Labcorp Genetics (formerly Invitae), Labcorp); PubMed 15235020 (cited by Counsyl).

NM_007294.4(BRCA1):c.2534T>C (p.Ile845Thr)

Gene: BRCA1 (BRCA1 DNA repair associated; minus strand). Cytogenetic location: 17q21.31.
Variant type: single nucleotide variant.
Coding change: c.2534T>C on transcript NM_007294.4 (MANE Select); coding-DNA position 2534, T replaced by C.
Protein change: p.Ile845Thr; replaces isoleucine 845 with threonine.
Molecular consequence: missense variant. On other transcripts: intron variant (137).
Genome position (GRCh38, 1-based): chr17:43,092,997, A>G on the plus strand (T>C on the coding strand, the complement: BRCA1 is on the minus strand). VCF-style: chr17-43092997-A-G. GRCh37 (hg19) VCF-style: chr17-41245014-A-G.
Other names: c.2321T>C, p.Ile774Thr (NM_001407571.1, NM_001407853.1, NM_001407894.1 and 9 more transcripts); c.2534T>C, p.Ile845Thr (NM_001407581.1, NM_001407582.1, NM_001407583.1 and 30 more transcripts); c.2531T>C, p.Ile844Thr (NM_001407587.1, NM_001407590.1, NM_001407591.1 and 22 more transcripts); c.2525T>C, p.Ile842Thr (NM_001407646.1, NM_001407647.1); c.2411T>C, p.Ile804Thr (NM_001407648.1, NM_001407664.1, NM_001407665.1 and 19 more transcripts); c.2408T>C, p.Ile803Thr (NM_001407649.1, NM_001407670.1, NM_001407671.1 and 11 more transcripts); c.2456T>C, p.Ile819Thr (NM_001407653.1, NM_001407654.1, NM_001407655.1 and 4 more transcripts); c.2453T>C, p.Ile818Thr (NM_001407659.1, NM_001407660.1, NM_001407661.1 and 1 more transcripts); and 41 more; short protein forms I845T, I798T, I757T, I797T, I804T, I818T, I842T, I718T.
Identifiers: ClinVar variation 54593 (VCV000054593.20), dbSNP rs397508976, ClinGen allele CA001676.